The following is an entry in ClinVar:

ClinVar aggregate classification (germline): Uncertain significance (1 of 4 stars; one submission).

Conditions:
Gnathodiaphyseal dysplasia (GDD). Also called: GNATHODIAPHYSEAL SCLEROSIS; OSTEOGENESIS IMPERFECTA WITH UNUSUAL SKELETAL LESIONS. Identifiers: Orphanet 53697, MedGen C1833736, MONDO:0008151, OMIM 166260.
Autosomal recessive limb-girdle muscular dystrophy type 2L (LGMDR12). Also called: Limb-girdle muscular dystrophy, type 2L; MUSCULAR DYSTROPHY, LIMB-GIRDLE, AUTOSOMAL RECESSIVE 12; Limb-Girdle Muscular Dystrophy R12 Anoctamin-5-Related (LGMD-R12). Identifiers: Orphanet 206549, MedGen C1969785, MONDO:0012652, OMIM 611307.

Submission:

Labcorp Genetics (formerly Invitae), Labcorp
Classification: Uncertain significance for Autosomal recessive limb-girdle muscular dystrophy type 2L; Gnathodiaphyseal dysplasia. Last evaluated: 2024-10-21. Review status: criteria provided, single submitter. Criteria: Invitae Variant Classification Sherloc (09022015). Collection method: clinical testing. Allele origin: germline.
Comment: This sequence change replaces lysine, which is basic and polar, with arginine, which is basic and polar, at codon 373 of the ANO5 protein (p.Lys373Arg). This variant is not present in population databases (gnomAD no frequency). This variant has not been reported in the literature in individuals affected with ANO5-related conditions. Invitae Evidence Modeling of protein sequence and biophysical properties (such as structural, functional, and spatial information, amino acid conservation, physicochemical variation, residue mobility, and thermodynamic stability) indicates that this missense variant is not expected to disrupt ANO5 protein function with a negative predictive value of 80%. In summary, the available evidence is currently insufficient to determine the role of this variant in disease. Therefore, it has been classified as a Variant of Uncertain Significance.

NM_213599.3(ANO5):c.1118A>G (p.Lys373Arg)

Gene: ANO5 (anoctamin 5; plus strand). Cytogenetic location: 11p14.3.
Variant type: single nucleotide variant.
Coding change: c.1118A>G on transcript NM_213599.3 (MANE Select); coding-DNA position 1118, A replaced by G.
Protein change: p.Lys373Arg; replaces lysine 373 with arginine.
Molecular consequence: missense variant.
Genome position (GRCh38, 1-based): chr11:22,250,845, A>G. VCF-style: chr11-22250845-A-G. GRCh37 (hg19) VCF-style: chr11-22272391-A-G.
Other names: c.1115A>G, p.Lys372Arg (NM_001142649.2); c.1076A>G, p.Lys359Arg (NM_001410963.1); c.1073A>G, p.Lys358Arg (NM_001410964.1); short protein forms K358R, K359R, K372R, K373R.
Identifiers: ClinVar variation 3749924 (VCV003749924.2).